The following is an entry in ClinVar:

NM_020774.4(MIB1):c.1114G>A (p.Val372Ile)

Gene: MIB1 (MIB E3 ubiquitin protein ligase 1; plus strand). Cytogenetic location: 18q11.2.
Variant type: single nucleotide variant.
Coding change: c.1114G>A on transcript NM_020774.4 (MANE Select); coding-DNA position 1114, G replaced by A.
Protein change: p.Val372Ile; replaces valine 372 with isoleucine.
Molecular consequence: missense variant.
Genome position (GRCh38, 1-based): chr18:21,798,105, G>A. VCF-style: chr18-21798105-G-A. GRCh37 (hg19) VCF-style: chr18-19378066-G-A.
Other names: short protein forms V372I.
Identifiers: ClinVar variation 1795942 (VCV001795942.2), dbSNP rs754244735, ClinGen allele CA8908225.

ClinVar aggregate classification (germline): Uncertain significance (1 of 4 stars; one submission).

Conditions:
Inborn genetic diseases. Identifiers: MedGen C0950123, MeSH D030342.

Allele frequency attached by ClinVar (database versions not stated): gnomAD exomes below 0.00001; ExAC 0.00001; gnomAD 0.00001; TOPMed 0.00001.
gnomAD v4.1: 2 of 1,612,848 alleles (0.00012%); highest among the groups gnomAD compares: East Asian, 0.0022%; no homozygotes.

Submission:

Ambry Genetics
Classification: Uncertain significance for Inborn genetic diseases. Last evaluated: 2022-05-30. Review status: criteria provided, single submitter. Criteria: Ambry Variant Classification Scheme 2023. Collection method: clinical testing. Allele origin: germline.
Comment: The p.V372I variant (also known as c.1114G>A), located in coding exon 8 of the MIB1 gene, results from a G to A substitution at nucleotide position 1114. The valine at codon 372 is replaced by isoleucine, an amino acid with highly similar properties. This amino acid position is conserved. In addition, this alteration is predicted to be tolerated by in silico analysis. Since supporting evidence is limited at this time, the clinical significance of this alteration remains unclear.